The following is an entry in ClinVar:

ClinVar aggregate classification (germline): Uncertain significance. Review status: criteria provided, multiple submitters, no conflicts (2 of 4 stars). 2 submissions from 2 submitters: Uncertain significance (2). Last evaluated 2025-11-03.

Conditions:
Inborn genetic diseases. Identifiers: MedGen C0950123, MeSH D030342.

gnomAD v4.1: 18 of 1,614,058 alleles (0.0011%); highest among the groups gnomAD compares: Non-Finnish European, 0.0014%; no homozygotes.

Submissions (2):

Ambry Genetics
Classification: Uncertain significance for Inborn genetic diseases. Last evaluated: 2025-11-03. Review status: criteria provided, single submitter. Criteria: Ambry Variant Classification Scheme 2023. Collection method: clinical testing. Allele origin: germline.

GeneDx
Classification: Uncertain significance. Last evaluated: 2025-05-01. Review status: criteria provided, single submitter. Criteria: GeneDx Variant Classification Process June 2021. Collection method: clinical testing. Allele origin: germline. Affected: yes.
Comment: Not observed at significant frequency in large population cohorts (gnomAD); In silico analysis supports that this missense variant has a deleterious effect on protein structure/function; Has not been previously published as pathogenic or benign to our knowledge

NM_020436.5(SALL4):c.2903T>G (p.Val968Gly)

Gene: SALL4 (spalt like transcription factor 4; minus strand). Cytogenetic location: 20q13.2.
Variant type: single nucleotide variant.
Coding change: c.2903T>G on transcript NM_020436.5 (MANE Select); coding-DNA position 2903, T replaced by G.
Protein change: p.Val968Gly; replaces valine 968 with glycine.
Molecular consequence: missense variant.
Genome position (GRCh38, 1-based): chr20:51,784,524, A>C on the plus strand (T>G on the coding strand, the complement: SALL4 is on the minus strand). VCF-style: chr20-51784524-A-C. GRCh37 (hg19) VCF-style: chr20-50401063-A-C.
Other names: c.1592T>G, p.Val531Gly (NM_001318031.2); short protein forms V531G, V968G.
Identifiers: ClinVar variation 4527869 (VCV004527869.2).